The following is an entry in ClinVar:

NM_080870.4(MUCL3):c.2424T>C (p.Thr808=)

Genes: HCG21 (HLA complex group 21; minus strand), MUCL3 (mucin like 3; plus strand). Cytogenetic location: 6p21.33.
Variant type: single nucleotide variant.
Coding change: c.2424T>C on transcript NM_080870.4 (MANE Select); coding-DNA position 2424, T replaced by C.
Protein change: p.Thr808=; no amino-acid change (threonine 808 retained).
Molecular consequence: synonymous variant.
Genome position (GRCh38, 1-based): chr6:30,950,888, T>C. VCF-style: chr6-30950888-T-C. GRCh37 (hg19) VCF-style: chr6-30918665-T-C.
Identifiers: ClinVar variation 2656347 (VCV002656347.24), dbSNP rs775203959, ClinGen allele CA3706735.

ClinVar aggregate classification (germline): Likely benign (1 of 4 stars; one submission).

Allele frequency attached by ClinVar (database versions not stated): ExAC 0.00031; gnomAD 0.00092; 1000 Genomes Project 30x 0.00312.

Submission:

CeGaT Center for Human Genetics Tuebingen
Classification: Likely benign. Last evaluated: 2023-01-01. Review status: criteria provided, single submitter. Criteria: CeGaT Center For Human Genetics Tuebingen Variant Classification Criteria Version 2. Collection method: clinical testing. Allele origin: germline. Affected: yes. Observed: 1 variant allele.
Comment: MUCL3: BP4, BP7